The following is an entry in ClinVar:

NM_138615.3(DHX30):c.2142G>A (p.Lys714=)

Gene: DHX30 (DExH-box helicase 30; plus strand). Cytogenetic location: 3p21.31.
Variant type: single nucleotide variant.
Coding change: c.2142G>A on transcript NM_138615.3 (MANE Select); coding-DNA position 2142, G replaced by A.
Protein change: p.Lys714=; no amino-acid change (lysine 714 retained).
Molecular consequence: synonymous variant.
Genome position (GRCh38, 1-based): chr3:47,847,812, G>A. VCF-style: chr3-47847812-G-A. GRCh37 (hg19) VCF-style: chr3-47889302-G-A.
Other names: c.2058G>A, p.Lys686= (NM_001330990.2); c.2025G>A, p.Lys675= (NM_014966.4).
Identifiers: ClinVar variation 3058122 (VCV003058122.2), dbSNP rs140467508, ClinGen allele CA2370069.
Genomic context (GRCh38, chr3:47,847,812, plus strand): 5'-CCATAACTGGTGTGTGTCTTGCCCACCAGTGCACTCCAACATCCCCATGATGGATCAGAA[G>A]GCCATATTCCAGCAGCCTCCAGTTGGGGTGCGCAAGATTGTCTTGGCCACCAACATTGCT-3'
Protein context (NP_619520.1, residues 704-724): VHSNIPMMDQ[Lys714=]AIFQQPPVGV

ClinVar aggregate classification (germline): Likely benign (0 of 4 stars; one submission).

Conditions:
DHX30-related disorder. Also called: DHX30-related condition.

Allele frequency attached by ClinVar (database versions not stated): TOPMed 0.00005; ESP Exome Variant Server 0.00008; gnomAD exomes 0.00014; gnomAD 0.00015; 1000 Genomes Project 30x 0.00016; 1000 Genomes Project 0.00020; ExAC 0.00057.
gnomAD v4.1: 226 of 1,614,140 alleles (0.014%); highest among the groups gnomAD compares: Non-Finnish European, 0.011%; no homozygotes.

Submission:

PreventionGenetics, part of Exact Sciences
Classification: Likely benign for DHX30-related condition. Last evaluated: 2019-04-26. Review status: no assertion criteria provided. Collection method: clinical testing. Allele origin: germline.
Comment: This variant is classified as likely benign based on ACMG/AMP sequence variant interpretation guidelines (Richards et al. 2015 PMID: 25741868, with internal and published modifications).